The following is an entry in ClinVar:

NC_000006.11:g.(?_51949670)_(51949741_?)del

Gene: PKHD1 (PKHD1 ciliary IPT domain containing fibrocystin/polyductin; minus strand). Cytogenetic location: 6p12.2.
Variant type: Deletion.
Identifiers: ClinVar variation 1457025 (VCV001457025.5).

ClinVar aggregate classification (germline): Pathogenic (1 of 4 stars; one submission).

Conditions:
Autosomal recessive polycystic kidney disease (ARPKD). Also called: AR polycystic kidney disease. Identifiers: Orphanet 731, Orphanet 8378, MedGen C0085548, MeSH D017044, MONDO:0009889.

Submission:

Labcorp Genetics (formerly Invitae), Labcorp
Classification: Pathogenic for Autosomal recessive polycystic kidney disease. Last evaluated: 2021-03-13. Review status: criteria provided, single submitter. Criteria: Invitae Variant Classification Sherloc (09022015). Collection method: clinical testing. Allele origin: germline.
Comment: For these reasons, this variant has been classified as Pathogenic. This variant has not been reported in the literature in individuals with PKHD1-related conditions. This variant is a gross deletion of the genomic region encompassing exon(s) 2 of the PKHD1 gene, which includes the initiator codon. The 5' end of this event is unknown as it extends beyond the assayed region for this gene and therefore may encompass additional genes. The 3' boundary is likely confined to intron 2 of the PKHD1 gene. It is expected to result in an absent or disrupted protein product. Loss-of-function variants in PKHD1 are known to be pathogenic (PMID: 19940839).

Literature cited by the submitters: PubMed 19940839.